The following is an entry in ClinVar:

NC_000015.10:g.84817136C>G

Gene: ALPK3 (alpha kinase 3; plus strand). Cytogenetic location: 15q25.3.
Variant type: single nucleotide variant.
Genome position: GRCh38 VCF-style: chr15-84817136-C-G. GRCh37 (hg19) VCF-style: chr15-85360367-C-G.
Identifiers: ClinVar variation 2758719 (VCV002758719.3), dbSNP rs867887478, ClinGen allele CA393368608.

ClinVar aggregate classification (germline): Uncertain significance (1 of 4 stars; one submission).

Submission:

Labcorp Genetics (formerly Invitae), Labcorp
Classification: Uncertain significance. Last evaluated: 2023-09-08. Review status: criteria provided, single submitter. Criteria: Invitae Variant Classification Sherloc (09022015). Collection method: clinical testing. Allele origin: germline.
Comment: In summary, the available evidence is currently insufficient to determine the role of this variant in disease. Therefore, it has been classified as a Variant of Uncertain Significance. An algorithm developed to predict the effect of missense changes on protein structure and function (PolyPhen-2) suggests that this variant is likely to be disruptive. This variant has not been reported in the literature in individuals affected with ALPK3-related conditions. This variant is not present in population databases (gnomAD no frequency). This sequence change replaces proline, which is neutral and non-polar, with arginine, which is basic and polar, at codon 97 of the ALPK3 protein (p.Pro97Arg).